The following is an entry in ClinVar:

ClinVar aggregate classification (germline): Uncertain significance. Review status: criteria provided, multiple submitters, no conflicts (2 of 4 stars). 2 submissions from 2 submitters: Uncertain significance (2). Last evaluated 2025-08-13.

Conditions:
Long QT syndrome (LQTS). Identifiers: MedGen C0023976, MeSH D008133, MONDO:0002442. Disease mechanism: loss of function. Inheritance: Various modes of inheritance.

Submissions (3):

Labcorp Genetics (formerly Invitae), Labcorp
Classification: Uncertain significance for Long QT syndrome. Last evaluated: 2025-08-13. Review status: criteria provided, single submitter. Criteria: Invitae Variant Classification Sherloc (09022015). Collection method: clinical testing. Allele origin: germline.
Comment: This sequence change replaces serine, which is neutral and polar, with threonine, which is neutral and polar, at codon 37 of the KCNE1 protein (p.Ser37Thr). This variant is not present in population databases (gnomAD no frequency). This variant has not been reported in the literature in individuals affected with KCNE1-related conditions. ClinVar contains an entry for this variant (Variation ID: 1461085). Invitae Evidence Modeling of protein sequence and biophysical properties (such as structural, functional, and spatial information, amino acid conservation, physicochemical variation, residue mobility, and thermodynamic stability) indicates that this missense variant is not expected to disrupt KCNE1 protein function with a negative predictive value of 95%. In summary, the available evidence is currently insufficient to determine the role of this variant in disease. Therefore, it has been classified as a Variant of Uncertain Significance.

Dasa
Classification: Uncertain significance. Last evaluated: 2025-03-31. Review status: criteria provided, single submitter. Criteria: DASA Assertion Criteria. Collection method: clinical testing. Allele origin: germline.
Comment: NM_000219.6(KCNE1):c.110G>C (p.Ser37Thr) is a missense variant that results in the substitution of serine with threonine. The affected residue or protein region has prior evidence supporting clinical relevance. This variant is rare in population databases. The currently available literature and clinical evidence are not sufficient to establish a definitive association between this variant and the reported condition. Therefore, this variant is classified as a variant of uncertain significance.

Roden Lab, Vanderbilt University Medical Center
No classification provided (evidence only). Condition: Long QT syndrome 5. Review status: no classification provided. Collection method: in vitro. Allele origin: not applicable. Functional consequence: Effect on ion channel function. Not counted in ClinVar's aggregate classification.
ClinVar note: "not provided" was previously submitted as the classification for the variant. However, the classification appeared to be based only on an observation of functional data so it was converted to no classification on 2025-07-30.

NM_000219.6(KCNE1):c.110G>C (p.Ser37Thr)

Gene: KCNE1 (potassium voltage-gated channel subfamily E regulatory subunit 1; minus strand). Cytogenetic location: 21q22.12.
Variant type: single nucleotide variant.
Coding change: c.110G>C on transcript NM_000219.6 (MANE Select); coding-DNA position 110, G replaced by C.
Protein change: p.Ser37Thr; replaces serine 37 with threonine.
Molecular consequence: missense variant.
Genome position (GRCh38, 1-based): chr21:34,449,525, C>G on the plus strand (G>C on the coding strand, the complement: KCNE1 is on the minus strand). VCF-style: chr21-34449525-C-G. GRCh37 (hg19) VCF-style: chr21-35821823-C-G.
Other names: c.110G>C, p.Ser37Thr (NM_001270405.3, NM_001127668.4, NM_001127669.4 and 4 more transcripts); short protein forms S37T.
Identifiers: ClinVar variation 1461085 (VCV001461085.12), dbSNP rs1290531137, ClinGen allele CA410198464.